The following is an entry in ClinVar:

NM_000336.3(SCNN1B):c.147A>G (p.Lys49=)

Gene: SCNN1B (sodium channel epithelial 1 subunit beta; plus strand). Cytogenetic location: 16p12.2.
Variant type: single nucleotide variant.
Coding change: c.147A>G on transcript NM_000336.3 (MANE Select); coding-DNA position 147, A replaced by G.
Protein change: p.Lys49=; no amino-acid change (lysine 49 retained).
Molecular consequence: synonymous variant.
Genome position (GRCh38, 1-based): chr16:23,348,746, A>G. VCF-style: chr16-23348746-A-G. GRCh37 (hg19) VCF-style: chr16-23360067-A-G.
Identifiers: ClinVar variation 789831 (VCV000789831.16), dbSNP rs80027401, ClinGen allele CA7960071.

ClinVar aggregate classification (germline): Benign/Likely benign. Review status: criteria provided, multiple submitters, no conflicts (2 of 4 stars). 7 submissions from 7 submitters: Benign (2); Likely benign (3). 2 of the submissions do not count toward it. Last evaluated 2025-12-03.

Conditions:
Bronchiectasis with or without elevated sweat chloride 1 (BESC1). Also called: Cystic Fibrosis-Like Syndrome. Identifiers: Orphanet 60033, MedGen C2749757, MONDO:0008887, OMIM 211400.
Liddle syndrome 1 (LIDLS1). Also called: PSEUDOALDOSTERONISM. Identifiers: Orphanet 526, MedGen CN031472, MONDO:0020607, OMIM 177200.
Pseudohypoaldosteronism, type IB1, autosomal recessive. Also called: Pseudohypoaldosteronism, Type I, Autosomal Recessive; PHA I, AUTOSOMAL RECESSIVE; Autosomal recessive pseudohypoaldosteronism type 1; Pseudohypoaldosteronism, Type I, Recessive. Identifiers: Orphanet 171876, Orphanet 756, MedGen C5774176, MONDO:0009917, OMIM 264350.
SCNN1B-related disorder. Also called: SCNN1B-related condition.

Allele frequency attached by ClinVar (database versions not stated): gnomAD exomes 0.00012 and 0.00037; ExAC 0.00047; ESP Exome Variant Server 0.00115; gnomAD 0.00133 and 0.00141; TOPMed 0.00152; 1000 Genomes Project 0.00160; 1000 Genomes Project 30x 0.00187.
gnomAD v4.1: 385 of 1,614,150 alleles (0.024%); highest among the groups gnomAD compares: African/African-American, 0.47%; 1 homozygote.

Submissions (7):

Labcorp Genetics (formerly Invitae), Labcorp
Classification: Benign. Last evaluated: 2025-12-03. Review status: criteria provided, single submitter. Criteria: Invitae Variant Classification Sherloc (09022015). Collection method: clinical testing. Allele origin: germline.

Women's Health and Genetics/Laboratory Corporation of America, LabCorp
Classification: Likely benign. Last evaluated: 2025-02-24. Review status: criteria provided, single submitter. Criteria: LabCorp Variant Classification Summary - May 2015. Collection method: clinical testing. Allele origin: germline.

Blueprint Genetics
Classification: Likely benign. Last evaluated: 2024-11-26. Review status: criteria provided, single submitter. Criteria: ACMG Guidelines, 2015. Collection method: clinical testing. Allele origin: germline.

Fulgent Genetics
Classification: Likely benign for Liddle syndrome 1; Bronchiectasis with or without elevated sweat chloride 1; Pseudohypoaldosteronism, type IB1, autosomal recessive. Last evaluated: 2021-07-30. Review status: criteria provided, single submitter. Criteria: ACMG Guidelines, 2015. Collection method: clinical testing. Allele origin: unknown.

Athena Diagnostics
Classification: Benign. Last evaluated: 2021-02-11. Review status: criteria provided, single submitter. Criteria: Athena Diagnostics criteria. Collection method: clinical testing. Allele origin: unknown.

Genetic Services Laboratory, University of Chicago
Classification: Likely benign. Last evaluated: 2022-11-03. Review status: no assertion criteria provided. Collection method: clinical testing. Allele origin: germline. Affected: no. Not counted in ClinVar's aggregate classification.

PreventionGenetics, part of Exact Sciences
Classification: Likely benign for SCNN1B-related condition. Last evaluated: 2020-01-20. Review status: no assertion criteria provided. Collection method: clinical testing. Allele origin: germline. Not counted in ClinVar's aggregate classification.
Comment: This variant is classified as likely benign based on ACMG/AMP sequence variant interpretation guidelines (Richards et al. 2015 PMID: 25741868, with internal and published modifications).